The following is an entry in ClinVar:

ClinVar aggregate classification (germline): Uncertain significance (1 of 4 stars; one submission).

Conditions:
PDLIM3-related disorder. Also called: PDLIM3-related condition.

gnomAD v4.1: 28 of 1,551,966 alleles (0.0018%); highest among the groups gnomAD compares: South Asian, 0.0036%; no homozygotes.

Submission:

PreventionGenetics, part of Exact Sciences
Classification: Uncertain significance for PDLIM3-related condition. Last evaluated: 2024-12-31. Review status: criteria provided, single submitter. Criteria: ACMG Guidelines, 2015. Collection method: clinical testing. Allele origin: germline.
Comment: The PDLIM3 c.481G>A variant is predicted to result in the amino acid substitution p.Gly161Arg. This variant corresponds to a deep intronic position in the primary transcript for this gene (NM_014476:c.331-403G>A). To our knowledge, this variant has not been reported in the literature. This variant is reported in 0.0016% of alleles in individuals of European (Non-Finnish) descent in gnomAD. At this time, the clinical significance of this variant is uncertain due to the absence of conclusive functional and genetic evidence.

NM_014476.6(PDLIM3):c.331-403G>A

Genes: PDLIM3 (PDZ and LIM domain 3; minus strand), LOC126807246 (BRD4-independent group 4 enhancer GRCh37_chr4:186434842-186436041; plus strand). Cytogenetic location: 4q35.1.
Variant type: single nucleotide variant.
Coding change: c.331-403G>A on transcript NM_014476.6 (MANE Select); 403 bases into the intron before coding-DNA position 331, G replaced by A.
Molecular consequence: intron variant. On other transcripts: missense variant (1).
Genome position (GRCh38, 1-based): chr4:185,514,740, C>T on the plus strand (G>A on the coding strand, the complement: PDLIM3 is on the minus strand). VCF-style: chr4-185514740-C-T. GRCh37 (hg19) VCF-style: chr4-186435894-C-T.
Other names: c.481G>A, p.Gly161Arg (NM_001114107.5); c.94-403G>A (NM_001257963.2); c.331-403G>A (NM_001257962.2); short protein forms G161R.
Identifiers: ClinVar variation 4989114 (VCV004989114.1).